The following is an entry in ClinVar:

ClinVar aggregate classification (germline): Uncertain significance. Review status: criteria provided, single submitter (1 of 4 stars). 2 submissions from 2 submitters: Uncertain significance (1). 1 of the submissions does not count toward it. Last evaluated 2024-09-02.

Conditions:
Dilated cardiomyopathy 1G (CMD1G). Identifiers: Orphanet 154, MedGen C1858763, MONDO:0011400, OMIM 604145.
Autosomal recessive limb-girdle muscular dystrophy type 2J (LGMDR10). Also called: Limb-girdle muscular dystrophy, type 2J; MUSCULAR DYSTROPHY, LIMB-GIRDLE, AUTOSOMAL RECESSIVE 10. Identifiers: Orphanet 140922, MedGen C1837342, MONDO:0012127, OMIM 608807.

gnomAD v4.1: 4 of 1,610,430 alleles (0.00025%); highest among the groups gnomAD compares: African/African-American, 0.0013%; no homozygotes.

Submissions (2):

Labcorp Genetics (formerly Invitae), Labcorp
Classification: Uncertain significance for Dilated cardiomyopathy 1G; Autosomal recessive limb-girdle muscular dystrophy type 2J. Last evaluated: 2024-09-02. Review status: criteria provided, single submitter. Criteria: Invitae Variant Classification Sherloc (09022015). Collection method: clinical testing. Allele origin: germline.
Comment: This sequence change falls in intron 228 of the TTN gene. It does not directly change the encoded amino acid sequence of the TTN protein. It affects a nucleotide within the consensus splice site. This variant is not present in population databases (gnomAD no frequency). This variant has not been reported in the literature in individuals affected with TTN-related conditions. Variants that disrupt the consensus splice site are a relatively common cause of aberrant splicing (PMID: 17576681, 9536098). Algorithms developed to predict the effect of sequence changes on RNA splicing suggest that this variant may disrupt the consensus splice site. This variant is located in the I band of TTN (PMID: 25589632). Non-truncating variants in this region may be clinically relevant, but have not been definitively shown to cause cardiomyopathy or neuromuscular disease (PMID: 27493940, 32778822). In summary, the available evidence is currently insufficient to determine the role of this variant in disease. Therefore, it has been classified as a Variant of Uncertain Significance.

Cardiogenetics and Myogenetics Molecular and Cellular Functional Unit, Aphp Sorbonne University-Hopital Pitie Salpetriere
Classification: Likely pathogenic for Dilated cardiomyopathy 1G. Last evaluated: 2024-01-06. Review status: no assertion criteria provided. Collection method: clinical testing. Allele origin: germline. Affected: yes. Not counted in ClinVar's aggregate classification.

Literature cited by the submitters: PubMed 17576681 (cited by Labcorp Genetics (formerly Invitae), Labcorp); PubMed 9536098 (cited by Labcorp Genetics (formerly Invitae), Labcorp); PubMed 25589632 (cited by Labcorp Genetics (formerly Invitae), Labcorp); PubMed 27493940 (cited by Labcorp Genetics (formerly Invitae), Labcorp); PubMed 32778822 (cited by Labcorp Genetics (formerly Invitae), Labcorp).

NM_001267550.2(TTN):c.42024+4A>G

Gene: TTN (titin; minus strand). Cytogenetic location: 2q31.2.
Variant type: single nucleotide variant.
Coding change: c.42024+4A>G on transcript NM_001267550.2 (MANE Select); 4 bases into the intron after coding-DNA position 42024, A replaced by G.
Molecular consequence: intron variant.
Genome position (GRCh38, 1-based): chr2:178,635,161, T>C on the plus strand (A>G on the coding strand, the complement: TTN is on the minus strand). VCF-style: chr2-178635161-T-C. GRCh37 (hg19) VCF-style: chr2-179499888-T-C.
Other names: c.14829+4A>G (NM_003319.4); c.15405+4A>G (NM_133437.4); c.15204+4A>G (NM_133432.3); c.34320+4A>G (NM_133378.4); c.37101+4A>G (NM_001256850.1).
Identifiers: ClinVar variation 3363051 (VCV003363051.3).
Genomic context (GRCh38, chr2:178,635,161, plus strand): 5'-AGATCCTGAATATTGGATGTGGTTATTTTATATGACTAACAATTTAAAATGTGAAATTAC[T>C]CACAGGTGAGGGCCTTAGAAGTTCTCCTTTCAGTTTCCATTGTCCAGGAATGTCTGCCTC-3'